The following is an entry in ClinVar:

NM_001082971.2(DDC):c.1242G>A (p.Lys414=)

Gene: DDC (dopa decarboxylase; minus strand). Cytogenetic location: 7p12.2.
Variant type: single nucleotide variant.
Coding change: c.1242G>A on transcript NM_001082971.2 (MANE Select); coding-DNA position 1242, G replaced by A.
Protein change: p.Lys414=; no amino-acid change (lysine 414 retained).
Molecular consequence: synonymous variant.
Genome position (GRCh38, 1-based): chr7:50,467,214, C>T on the plus strand (G>A on the coding strand, the complement: DDC is on the minus strand). VCF-style: chr7-50467214-C-T. GRCh37 (hg19) VCF-style: chr7-50534912-C-T.
Other names: c.1242G>A, p.Lys414= (NM_000790.4); c.1128G>A, p.Lys376= (NM_001242886.2); c.1098G>A, p.Lys366= (NM_001242887.2); c.1008G>A, p.Lys336= (NM_001242888.2); c.963G>A, p.Lys321= (NM_001242889.2).
Identifiers: ClinVar variation 2115511 (VCV002115511.4), dbSNP rs1040756254, ClinGen allele CA454931569.

ClinVar aggregate classification (germline): Uncertain significance (1 of 4 stars; one submission).

Conditions:
Deficiency of aromatic-L-amino-acid decarboxylase. Also called: AADC DEFICIENCY; DDC DEFICIENCY; DOPA DECARBOXYLASE DEFICIENCY; Aromatic L-Amino Acid Decarboxylase Deficiency; Aromatic amino acid decarboxylase deficiency. Identifiers: Orphanet 35708, MedGen C1291564, MONDO:0012084, OMIM 608643.

Allele frequency attached by ClinVar (database versions not stated): gnomAD exomes below 0.00001.
gnomAD v4.1: 3 of 1,613,274 alleles (0.00019%); highest among the groups gnomAD compares: Non-Finnish European, 0.00025%; no homozygotes.

Submission:

Labcorp Genetics (formerly Invitae), Labcorp
Classification: Uncertain significance for Deficiency of aromatic-L-amino-acid decarboxylase. Last evaluated: 2022-03-21. Review status: criteria provided, single submitter. Criteria: Invitae Variant Classification Sherloc (09022015). Collection method: clinical testing. Allele origin: germline.
Comment: This sequence change affects codon 414 of the DDC mRNA. It is a 'silent' change, meaning that it does not change the encoded amino acid sequence of the DDC protein. This variant also falls at the last nucleotide of exon 13, which is part of the consensus splice site for this exon. This variant is not present in population databases (gnomAD no frequency). This variant has been observed in individual(s) with DDC-related conditions (PMID: 30952622). Variants that disrupt the consensus splice site are a relatively common cause of aberrant splicing (PMID: 17576681, 9536098). Algorithms developed to predict the effect of sequence changes on RNA splicing suggest that this variant may disrupt the consensus splice site. In summary, the available evidence is currently insufficient to determine the role of this variant in disease. Therefore, it has been classified as a Variant of Uncertain Significance.

Literature cited by the submitters: PubMed 30952622; PubMed 17576681; PubMed 9536098.